The following is an entry in ClinVar:

NM_022437.3(ABCG8):c.1751G>A (p.Trp584Ter)

Gene: ABCG8 (ATP binding cassette subfamily G member 8; plus strand). Cytogenetic location: 2p21.
Variant type: single nucleotide variant.
Coding change: c.1751G>A on transcript NM_022437.3 (MANE Select); coding-DNA position 1751, G replaced by A.
Protein change: p.Trp584Ter; replaces tryptophan 584 with a stop codon.
Molecular consequence: nonsense.
Genome position (GRCh38, 1-based): chr2:43,875,408, G>A. VCF-style: chr2-43875408-G-A. GRCh37 (hg19) VCF-style: chr2-44102547-G-A.
Other names: c.1748G>A, p.Trp583Ter (NM_001357321.2); short protein forms W583*, W584*.
Identifiers: ClinVar variation 4526866 (VCV004526866.1).

ClinVar aggregate classification (germline): Likely pathogenic (1 of 4 stars; one submission).

Conditions:
Sitosterolemia 1. Identifiers: MedGen C2749759, MONDO:0020747, OMIM 210250.

Submission:

Department of Haematogenetics, ICMR National Institute of Immunohaematology
Classification: Likely pathogenic for Sitosterolemia 1. Last evaluated: 2025-11-05. Review status: criteria provided, single submitter. Criteria: ACMG Guidelines, 2015. Collection method: research. Allele origin: germline. Affected: yes.
Comment: The NM_022437.3:c.1751G>A variant is a homozygous nonsense mutation predicted to introduce a premature stop codon, likely resulting in loss of normal protein function through nonsense-mediated decay (PVS1). The variant is absent from large population databases, supporting its rarity and fulfilling the PM2 criterion. Literature reports and clinical data establish that loss-of-function variants in ABCG8 cause the disease phenotype, and homozygous mutations are necessary for full expression. These combined lines of evidence satisfy the ACMG criteria for Likely Pathogenic classification, specifically PVS1 and PM2, consistent with the variant’s role in disease causality.